The following is an entry in ClinVar:

ClinVar aggregate classification (germline): Uncertain significance. Review status: criteria provided, multiple submitters, no conflicts (2 of 4 stars). 2 submissions from 2 submitters: Uncertain significance (2). Last evaluated 2025-03-31.

Allele frequency attached by ClinVar (database versions not stated): ExAC 0.00001; gnomAD exomes 0.00001.

Submissions (2):

Labcorp Genetics (formerly Invitae), Labcorp
Classification: Uncertain significance. Last evaluated: 2025-03-31. Review status: criteria provided, single submitter. Criteria: Invitae Variant Classification Sherloc (09022015). Collection method: clinical testing. Allele origin: germline.
Comment: This sequence change replaces serine, which is neutral and polar, with alanine, which is neutral and non-polar, at codon 717 of the GRIN2D protein (p.Ser717Ala). This variant is present in population databases (rs199984042, gnomAD 0.0009%). This variant has not been reported in the literature in individuals affected with GRIN2D-related conditions. ClinVar contains an entry for this variant (Variation ID: 2805934). Invitae Evidence Modeling of protein sequence and biophysical properties (such as structural, functional, and spatial information, amino acid conservation, physicochemical variation, residue mobility, and thermodynamic stability) indicates that this missense variant is not expected to disrupt GRIN2D protein function with a negative predictive value of 80%. In summary, the available evidence is currently insufficient to determine the role of this variant in disease. Therefore, it has been classified as a Variant of Uncertain Significance.

GeneDx
Classification: Uncertain significance. Last evaluated: 2024-05-04. Review status: criteria provided, single submitter. Criteria: GeneDx Variant Classification Process June 2021. Collection method: clinical testing. Allele origin: germline. Affected: yes.
Comment: In silico analysis supports that this missense variant has a deleterious effect on protein structure/function; Has not been previously published as pathogenic or benign to our knowledge

NM_000836.4(GRIN2D):c.2149T>G (p.Ser717Ala)

Gene: GRIN2D (glutamate ionotropic receptor NMDA type subunit 2D; plus strand). Cytogenetic location: 19q13.33.
Variant type: single nucleotide variant.
Coding change: c.2149T>G on transcript NM_000836.4 (MANE Select); coding-DNA position 2149, T replaced by G.
Protein change: p.Ser717Ala; replaces serine 717 with alanine.
Molecular consequence: missense variant.
Genome position (GRCh38, 1-based): chr19:48,421,842, T>G. VCF-style: chr19-48421842-T-G. GRCh37 (hg19) VCF-style: chr19-48925099-T-G.
Other names: c.2149T>G (NM_000836.2); short protein forms S717A.
Identifiers: ClinVar variation 2805934 (VCV002805934.4), dbSNP rs199984042, ClinGen allele CA9550672.
Genomic context (GRCh38, chr19:48,421,842, plus strand): 5'-CAGTTCCAGAGGCCCCAGGAGCAGTACCCGCCCCTGAAGTTTGGGACCGTGCCCAACGGC[T>G]CCACGGAGAAGAACATCCGCAGCAACTATCCCGACATGCACAGCTACATGGTGCGCTACA-3'
Protein context (NP_000827.2, residues 707-727): PLKFGTVPNG[Ser717Ala]TEKNIRSNYP